The following is an entry in ClinVar:

ClinVar aggregate classification (germline): Uncertain significance. Review status: criteria provided, multiple submitters, no conflicts (2 of 4 stars). 3 submissions from 3 submitters: Uncertain significance (2). 1 of the submissions does not count toward it. Last evaluated 2022-05-19.

Conditions:
Mitochondrial DNA depletion syndrome 1. Also called: Mitochondrial neurogastrointestinal encephalomyopathy syndrome; Mitochondrial DNA Depletion Syndrome, MNGIE Form; Mitochondrial DNA depletion syndrome 1 (MNGIE type); Mitochondrial Neurogastrointestinal Encephalopathy Disease; MITOCHONDRIAL NEUROGASTROINTESTINAL ENCEPHALOPATHY SYNDROME, TYMP-RELATED; MNGIE, TYMP-RELATED. Identifiers: Orphanet 298, MedGen C4551995, MONDO:0011283, OMIM 603041.

Allele frequency attached by ClinVar (database versions not stated): ExAC below 0.00001; TOPMed 0.00001; gnomAD 0.00004.

Submissions (3):

Fulgent Genetics
Classification: Uncertain significance for Mitochondrial DNA depletion syndrome 1. Last evaluated: 2022-05-19. Review status: criteria provided, single submitter. Criteria: ACMG Guidelines, 2015. Collection method: clinical testing. Allele origin: unknown.

Labcorp Genetics (formerly Invitae), Labcorp
Classification: Uncertain significance. Last evaluated: 2021-12-02. Review status: criteria provided, single submitter. Criteria: Invitae Variant Classification Sherloc (09022015). Collection method: clinical testing. Allele origin: germline.
Comment: This sequence change replaces glycine, which is neutral and non-polar, with serine, which is neutral and polar, at codon 311 of the TYMP protein (p.Gly311Ser). This variant is present in population databases (rs121913040, gnomAD 0.004%). This variant has not been reported in the literature in individuals affected with TYMP-related conditions. ClinVar contains an entry for this variant (Variation ID: 223048). Algorithms developed to predict the effect of missense changes on protein structure and function are either unavailable or do not agree on the potential impact of this missense change (SIFT: "Deleterious"; PolyPhen-2: "Probably Damaging"; Align-GVGD: "Class C0"). In summary, the available evidence is currently insufficient to determine the role of this variant in disease. Therefore, it has been classified as a Variant of Uncertain Significance.

GeneReviews
Classification: Pathogenic for Mitochondrial DNA depletion syndrome 1. Last evaluated: 2016-01-14. Review status: no assertion criteria provided. Collection method: literature only. Allele origin: germline. Affected: yes. Not counted in ClinVar's aggregate classification.

Literature cited by the submitters: PubMed 21933806 (cited by GeneReviews).

NM_001953.5(TYMP):c.931G>A (p.Gly311Ser)

Genes: TYMP (thymidine phosphorylase; minus strand), LOC130067862 (ATAC-STARR-seq lymphoblastoid silent region 13986; plus strand). Cytogenetic location: 22q13.33.
Variant type: single nucleotide variant.
Coding change: c.931G>A on transcript NM_001953.5 (MANE Select); coding-DNA position 931, G replaced by A.
Protein change: p.Gly311Ser; replaces glycine 311 with serine.
Molecular consequence: missense variant.
Genome position (GRCh38, 1-based): chr22:50,526,474, C>T on the plus strand (G>A on the coding strand, the complement: TYMP is on the minus strand). VCF-style: chr22-50526474-C-T. GRCh37 (hg19) VCF-style: chr22-50964903-C-T.
Other names: c.931G>A, p.Gly311Ser (LRG_727t2, LRG_727t1, NM_001113755.3 and 3 more transcripts); short protein forms G311S.
Identifiers: ClinVar variation 223048 (VCV000223048.7), dbSNP rs121913040, ClinGen allele CA10321513.